The following is an entry in ClinVar:

NM_000489.6(ATRX):c.6373A>C (p.Asn2125His)

Gene: ATRX (ATRX chromatin remodeler; minus strand). Cytogenetic location: Xq21.1.
Variant type: single nucleotide variant.
Coding change: c.6373A>C on transcript NM_000489.6 (MANE Select); coding-DNA position 6373, A replaced by C.
Protein change: p.Asn2125His; replaces asparagine 2125 with histidine.
Molecular consequence: missense variant.
Genome position (GRCh38, 1-based): chrX:77,558,800, T>G on the plus strand (A>C on the coding strand, the complement: ATRX is on the minus strand). VCF-style: chrX-77558800-T-G. GRCh37 (hg19) VCF-style: chrX-76814271-T-G.
Other names: c.6259A>C, p.Asn2087His (NM_138270.5); short protein forms N2087H, N2125H.
Identifiers: ClinVar variation 4885470 (VCV004885470.2).
Genomic context (GRCh38, chrX:77,558,800, plus strand): 5'-TGTCATAAGATGGATTCCAAGAAGCGTCGAATATAATTACTCGATTAGCAGCTACCAGAT[T>G]AATTCCTAGAGATCCTGCTTTAGTAGAAATGATAAATAATCGTCCTCTGAAAATGAAAAT-3'
Protein context (NP_000480.3, residues 2115-2135): ISTKAGSLGI[Asn2125His]LVAANRVIIF

ClinVar aggregate classification (germline): Uncertain significance (1 of 4 stars; one submission).

Submission:

Dasa
Classification: Uncertain significance. Last evaluated: 2025-08-28. Review status: criteria provided, single submitter. Criteria: DASA Assertion Criteria. Collection method: clinical testing. Allele origin: germline.
Comment: NM_000489.6(ATRX):c.6373A>C (p.Asn2125His) is a missense variant that results in the substitution of asparagine with histidine. The affected residue or protein region has prior evidence supporting clinical relevance. This variant is absent from population databases. Computational prediction algorithms are consistent with a deleterious effect. The currently available literature and clinical evidence are not sufficient to establish a definitive association between this variant and the reported condition. Therefore, this variant is classified as a variant of uncertain significance.